The following is an entry in ClinVar:

ClinVar aggregate classification (germline): Uncertain significance (1 of 4 stars; one submission).

Allele frequency attached by ClinVar (database versions not stated): gnomAD 0.00001; TOPMed 0.00001; ExAC 0.00003.
gnomAD v4.1: 17 of 1,613,522 alleles (0.0011%); highest among the groups gnomAD compares: East Asian, 0.0022%; no homozygotes.

Submissions (2):

GeneDx
Classification: Uncertain significance. Last evaluated: 2022-08-25. Review status: criteria provided, single submitter. Criteria: GeneDx Variant Classification Process June 2021. Collection method: clinical testing. Allele origin: germline. Affected: yes.
Comment: In silico analysis supports that this missense variant has a deleterious effect on protein structure/function; Has not been previously published as pathogenic or benign to our knowledge

Dr. Peter K. Rogan Lab, Western University
No classification provided (evidence only). Condition: Ovarian serous cystadenocarcinoma. Review status: no classification provided. Collection method: in vitro. Allele origin: not applicable. Functional consequence: retained intron. Not counted in ClinVar's aggregate classification.

NM_000400.4(ERCC2):c.2188C>T (p.Arg730Trp)

Gene: ERCC2 (ERCC excision repair 2, TFIIH core complex helicase subunit; minus strand). Cytogenetic location: 19q13.32.
Variant type: single nucleotide variant.
Coding change: c.2188C>T on transcript NM_000400.4 (MANE Select); coding-DNA position 2188, C replaced by T.
Protein change: p.Arg730Trp; replaces arginine 730 with tryptophan.
Molecular consequence: missense variant.
Genome position (GRCh38, 1-based): chr19:45,352,211, G>A on the plus strand (C>T on the coding strand, the complement: ERCC2 is on the minus strand). VCF-style: chr19-45352211-G-A. GRCh37 (hg19) VCF-style: chr19-45855469-G-A.
Other names: NC_000019.9:g.45855469G>A; short protein forms R730W.
Identifiers: ClinVar variation 2430763 (VCV002430763.2), dbSNP rs767253793, ClinGen allele CA9512858.